The following is an entry in ClinVar:

ClinVar aggregate classification (germline): Likely benign. Review status: criteria provided, multiple submitters, no conflicts (2 of 4 stars). 2 submissions from 2 submitters: Likely benign (2). Last evaluated 2018-01-13.

Conditions:
Leukodystrophy, hypomyelinating, 7, with or without oligodontia and/or hypogonadotropic hypogonadism (HLD7). Also called: LEUKOENCEPHALOPATHY, HYPOMYELINATING, WITH ATAXIA AND DELAYED DENTITION; ATAXIA, DELAYED DENTITION, AND HYPOMYELINATION; LEUKODYSTROPHY, HYPOMYELINATING, 7, WITH OLIGODONTIA; LEUKODYSTROPHY, HYPOMYELINATING, 7, WITH OLIGODONTIA AND HYPOGONADOTROPIC HYPOGONADISM; LEUKODYSTROPHY, HYPOMYELINATING, 7, WITHOUT OLIGODONTIA OR HYPOGONADOTROPIC HYPOGONADISM; Ataxia, Delayed Dentition and Hypomyelination (ADDH). Identifiers: Orphanet 137639, Orphanet 447893, Orphanet 447896, Orphanet 77295, Orphanet 88637, MedGen CN034185, MONDO:0011897, OMIM 607694.

Allele frequency attached by ClinVar (database versions not stated): 1000 Genomes Project 30x 0.00109; 1000 Genomes Project 0.00120; gnomAD exomes 0.00166; gnomAD 0.00171 and 0.00173; TOPMed 0.00217.
gnomAD v4.1: 1,553 of 876,054 alleles (0.18%); highest among the groups gnomAD compares: Middle Eastern, 1.1%; 14 homozygotes.

Submissions (2):

Illumina Laboratory Services, Illumina
Classification: Likely benign for Leukodystrophy, hypomyelinating, 7, with or without oligodontia and/or hypogonadotropic hypogonadism. Last evaluated: 2018-01-13. Review status: criteria provided, single submitter. Criteria: ICSL Variant Classification Criteria 13 December 2019. Collection method: clinical testing. Allele origin: germline.
Comment: This variant was observed in the ICSL laboratory as part of a predisposition screen in an ostensibly healthy population. It had not been previously curated by ICSL or reported in the Human Gene Mutation Database (HGMD: prior to June 1st, 2018), and was therefore a candidate for classification through an automated scoring system. Utilizing variant allele frequency, disease prevalence and penetrance estimates, and inheritance mode, an automated score was calculated to assess if this variant is too frequent to cause the disease. Based on the score and internal cut-off values, a variant classified as likely benign is not then subjected to further curation. The score for this variant resulted in a classification of likely benign for this disease.

Breakthrough Genomics
Classification: Likely benign. Review status: criteria provided, single submitter. Criteria: ACMG Guidelines, 2015. Collection method: not provided. Allele origin: germline. Inheritance: Autosomal recessive inheritance. Affected: yes.

NM_007055.4(POLR3A):c.*136C>T

Gene: POLR3A (RNA polymerase III subunit A; minus strand). Cytogenetic location: 10q22.3.
Variant type: single nucleotide variant.
Coding change: c.*136C>T on transcript NM_007055.4 (MANE Select); 136 bases downstream of the stop codon, C replaced by T.
Molecular consequence: 3 prime UTR variant.
Genome position (GRCh38, 1-based): chr10:77,977,342, G>A on the plus strand (C>T on the coding strand, the complement: POLR3A is on the minus strand). VCF-style: chr10-77977342-G-A. GRCh37 (hg19) VCF-style: chr10-79737100-G-A.
Identifiers: ClinVar variation 301030 (VCV000301030.6), dbSNP rs568729735, ClinGen allele CA10636066.